The following is an entry in ClinVar:

NM_003590.5(CUL3):c.1109T>C (p.Ile370Thr)

Gene: CUL3 (cullin 3; minus strand). Cytogenetic location: 2q36.2.
Variant type: single nucleotide variant.
Coding change: c.1109T>C on transcript NM_003590.5 (MANE Select); coding-DNA position 1109, T replaced by C.
Protein change: p.Ile370Thr; replaces isoleucine 370 with threonine.
Molecular consequence: missense variant.
Genome position (GRCh38, 1-based): chr2:224,506,053, A>G on the plus strand (T>C on the coding strand, the complement: CUL3 is on the minus strand). VCF-style: chr2-224506053-A-G. GRCh37 (hg19) VCF-style: chr2-225370770-A-G.
Other names: c.911T>C, p.Ile304Thr (NM_001257197.2); c.1127T>C, p.Ile376Thr (NM_001257198.2); short protein forms I304T, I370T, I376T.
Identifiers: ClinVar variation 3376042 (VCV003376042.1).
Genomic context (GRCh38, chr2:224,506,053, plus strand): 5'-AATGAGAGGTATTCAGGAGACCTGGAGTTGAGGTTGAGAAAATACTCAAAGTCACCCGCA[A>G]TAGTTTGTTTAAAGAGACGGTCATTGTTGAATGATTCCAGGAGGAAGCGATCGAACCTAC-3'
Protein context (NP_003581.1, residues 360-380): FNNDRLFKQT[Ile370Thr]AGDFEYFLNL

ClinVar aggregate classification (germline): Uncertain significance (1 of 4 stars; one submission).

gnomAD v4.1: 4 of 1,612,930 alleles (0.00025%); highest among the groups gnomAD compares: Middle Eastern, 0.016%; no homozygotes.

Submission:

GeneDx
Classification: Uncertain significance. Last evaluated: 2024-05-02. Review status: criteria provided, single submitter. Criteria: GeneDx Variant Classification Process June 2021. Collection method: clinical testing. Allele origin: germline. Affected: yes.
Comment: Not observed at significant frequency in large population cohorts (gnomAD); In silico analysis supports that this missense variant has a deleterious effect on protein structure/function; Has not been previously published as pathogenic or benign to our knowledge